The following is an entry in ClinVar:

ClinVar aggregate classification (germline): Uncertain significance (1 of 4 stars; one submission).

Conditions:
Diamond-Blackfan anemia. Also called: Blackfan Diamond syndrome; Aregenerative anemia chronic congenital; Red cell aplasia, pure hereditary; Congenital hypoplastic anemia; Aase syndrome. Identifiers: Orphanet 124, MedGen C1260899, MeSH D029503, MONDO:0015253, HP:0004810.

Submission:

Labcorp Genetics (formerly Invitae), Labcorp
Classification: Uncertain significance for Diamond-Blackfan anemia. Last evaluated: 2025-01-25. Review status: criteria provided, single submitter. Criteria: Invitae Variant Classification Sherloc (09022015). Collection method: clinical testing. Allele origin: germline.
Comment: This sequence change affects a donor splice site in intron 5 of the RPS19 gene. While this variant is not anticipated to result in nonsense mediated decay, it likely alters RNA splicing and results in a disrupted protein product. This variant is not present in population databases (gnomAD no frequency). Disruption of this splice site has been observed in individual(s) with Diamond-Blackfan anemia (PMID: 11112378, 19454283, 27329125). Variants that disrupt the consensus splice site are a relatively common cause of aberrant splicing (PMID: 17576681, 9536098). Algorithms developed to predict the effect of sequence changes on RNA splicing suggest that this variant may disrupt the consensus splice site. In summary, the available evidence is currently insufficient to determine the role of this variant in disease. Therefore, it has been classified as a Variant of Uncertain Significance.

Literature cited by the submitters: PubMed 11112378; PubMed 19454283; PubMed 27329125; PubMed 17576681; PubMed 9536098.

NM_001022.4(RPS19):c.411+1G>A

Genes: RPS19 (ribosomal protein S19; plus strand), RPS19-CD79A (RPS19-CD79A readthrough; plus strand). Cytogenetic location: 19q13.2.
Variant type: single nucleotide variant.
Coding change: c.411+1G>A on transcript NM_001022.4 (MANE Select); the canonical splice donor site of the intron after coding-DNA position 411, G replaced by A.
Molecular consequence: splice donor variant.
Genome position (GRCh38, 1-based): chr19:41,869,754, G>A. VCF-style: chr19-41869754-G-A. GRCh37 (hg19) VCF-style: chr19-42373824-G-A.
Other names: c.411+1G>A (NM_001321484.2, NM_001321483.2); c.424+1G>A (NM_001321485.2).
Identifiers: ClinVar variation 3723592 (VCV003723592.2).